The following is an entry in ClinVar:

NM_002439.5(MSH3):c.1341T>G (p.Ser447Arg)

Gene: MSH3 (mutS homolog 3; plus strand). Cytogenetic location: 5q14.1.
Variant type: single nucleotide variant.
Coding change: c.1341T>G on transcript NM_002439.5 (MANE Select); coding-DNA position 1341, T replaced by G.
Protein change: p.Ser447Arg; replaces serine 447 with arginine.
Molecular consequence: missense variant.
Genome position (GRCh38, 1-based): chr5:80,725,453, T>G. VCF-style: chr5-80725453-T-G. GRCh37 (hg19) VCF-style: chr5-80021272-T-G.
Other names: short protein forms S447R.
Identifiers: ClinVar variation 4714642 (VCV004714642.1).

ClinVar aggregate classification (germline): Uncertain significance (1 of 4 stars; one submission).

Submission:

Labcorp Genetics (formerly Invitae), Labcorp
Classification: Uncertain significance. Last evaluated: 2025-03-07. Review status: criteria provided, single submitter. Criteria: Invitae Variant Classification Sherloc (09022015). Collection method: clinical testing. Allele origin: germline.
Comment: This sequence change replaces serine, which is neutral and polar, with arginine, which is basic and polar, at codon 477 of the MSH3 protein (p.Ser447Arg). This variant is not present in population databases (gnomAD no frequency). This variant has not been reported in the literature in individuals affected with MSH3-related conditions. An algorithm developed to predict the effect of missense changes on protein structure and function outputs the following: PolyPhen-2: "Benign". The arginine amino acid residue is found in multiple mammalian species, which suggests that this missense change does not adversely affect protein function. In summary, the available evidence is currently insufficient to determine the role of this variant in disease. Therefore, it has been classified as a Variant of Uncertain Significance.